The following is an entry in ClinVar:

ClinVar aggregate classification (germline): Uncertain significance. Review status: criteria provided, multiple submitters, no conflicts (2 of 4 stars). 2 submissions from 2 submitters: Uncertain significance (2). Last evaluated 2026-03-19.

gnomAD v4.1: 118 of 1,613,068 alleles (0.0073%); highest among the groups gnomAD compares: Non-Finnish European, 0.0087%; no homozygotes.

Submissions (2):

Dasa
Classification: Uncertain significance. Last evaluated: 2026-03-19. Review status: criteria provided, single submitter. Criteria: DASA Assertion Criteria. Collection method: clinical testing. Allele origin: germline.
Comment: NM_183357.3(ADCY5):c.2467C>G (p.Leu823Val) is a missense variant that results in the substitution of leucine with valine. This variant is rare in population databases. Computational prediction algorithms are consistent with a benign effect. The currently available literature and clinical evidence are not sufficient to establish a definitive association between this variant and the reported condition. Therefore, this variant is classified as a variant of uncertain significance.

Labcorp Genetics (formerly Invitae), Labcorp
Classification: Uncertain significance. Last evaluated: 2024-09-04. Review status: criteria provided, single submitter. Criteria: Invitae Variant Classification Sherloc (09022015). Collection method: clinical testing. Allele origin: germline.
Comment: This sequence change replaces leucine, which is neutral and non-polar, with valine, which is neutral and non-polar, at codon 823 of the ADCY5 protein (p.Leu823Val). This variant is present in population databases (rs199645277, gnomAD 0.008%). This variant has not been reported in the literature in individuals affected with ADCY5-related conditions. Invitae Evidence Modeling of protein sequence and biophysical properties (such as structural, functional, and spatial information, amino acid conservation, physicochemical variation, residue mobility, and thermodynamic stability) has been performed for this missense variant. However, the output from this modeling did not meet the statistical confidence thresholds required to predict the impact of this variant on ADCY5 protein function. In summary, the available evidence is currently insufficient to determine the role of this variant in disease. Therefore, it has been classified as a Variant of Uncertain Significance.

NM_183357.3(ADCY5):c.2467C>G (p.Leu823Val)

Gene: ADCY5 (adenylate cyclase 5; minus strand). Cytogenetic location: 3q21.1.
Variant type: single nucleotide variant.
Coding change: c.2467C>G on transcript NM_183357.3 (MANE Select); coding-DNA position 2467, C replaced by G.
Protein change: p.Leu823Val; replaces leucine 823 with valine.
Molecular consequence: missense variant.
Genome position (GRCh38, 1-based): chr3:123,304,159, G>C on the plus strand (C>G on the coding strand, the complement: ADCY5 is on the minus strand). VCF-style: chr3-123304159-G-C. GRCh37 (hg19) VCF-style: chr3-123023006-G-C.
Other names: c.1417C>G, p.Leu473Val (NM_001199642.1); c.2467C>G, p.Leu823Val (NM_001378259.1); short protein forms L823V, L473V.
Identifiers: ClinVar variation 3711203 (VCV003711203.4).
Genomic context (GRCh38, chr3:123,304,159, plus strand): 5'-TGATGGTGAACACCCCAACCAGGGTGCTGTTCATCTTGGACCGCACGATCTTCCTGGAGA[G>C]GGTCTGCAGTGGGGAGGGGAAGAGCTAGGGTGGGGGCAGGGGTGGAGAGGGAGGGAGGGA-3'
Protein context (NP_899200.1, residues 813-833): VKLFPSPLQT[Leu823Val]SRKIVRSKMN